The following is an entry in ClinVar:

NM_144573.4(NEXN):c.2019_2022del (p.Ser673fs)

Gene: NEXN (nexilin F-actin binding protein; plus strand). Cytogenetic location: 1p31.1.
Variant type: Deletion.
Coding change: c.2019_2022del on transcript NM_144573.4 (MANE Select); coding-DNA positions 2019 to 2022, 4 bases deleted (TAAG; older notation c.2019_2022delTAAG).
Protein change: p.Ser673fs; shifts the reading frame from serine 673.
Molecular consequence: frameshift variant.
Genome position (GRCh38, 1-based): chr1:77,942,820-77,942,823, TAAG deleted; deleting any 4 consecutive bases within chr1:77,942,817-77,942,823 gives the same sequence; the c. name uses the placement nearest the transcript's 3' end. VCF-style (leftmost placement, unchanged base first): chr1-77942816-AAAGT-A. GRCh37 (hg19) VCF-style: chr1-78408501-AAAGT-A.
Other names: c.1827_1830del, p.Ser609fs (NM_001172309.2); short protein forms S609fs, S673fs.
Identifiers: ClinVar variation 1784492 (VCV001784492.2), dbSNP rs2523313432, ClinGen allele CA2574166335.

ClinVar aggregate classification (germline): Uncertain significance (1 of 4 stars; one submission).

Conditions:
Cardiovascular phenotype. Identifiers: MedGen CN230736.

Submission:

Ambry Genetics
Classification: Uncertain significance for Cardiovascular phenotype. Last evaluated: 2022-09-08. Review status: criteria provided, single submitter. Criteria: Ambry Variant Classification Scheme 2023. Collection method: clinical testing. Allele origin: germline.
Comment: The c.2019_2022delTAAG variant, located in coding exon 12 of the NEXN gene, results from a deletion of 4 nucleotides at nucleotide positions 2019 to 2022, causing a translational frameshift with a predicted alternate stop codon (p.S673Rfs*12). This alteration occurs at the 3' terminus of theNEXN gene, is not expected to trigger nonsense-mediated mRNAdecay and results in the elongation of the protein by 8 amino acids. This frameshift impacts the last 3 amino acids (0.44%) of the native protein. The exact functional effect of the altered amino acids is unknown. Since supporting evidence is limited at this time, the clinical significance of this alteration remains unclear.